The following is an entry in ClinVar:

NM_000540.3(RYR1):c.2360+111A>G

Gene: RYR1 (ryanodine receptor 1; plus strand). Cytogenetic location: 19q13.2.
Variant type: single nucleotide variant.
Coding change: c.2360+111A>G on transcript NM_000540.3 (MANE Select); 111 bases into the intron after coding-DNA position 2360, A replaced by G.
Molecular consequence: intron variant.
Genome position (GRCh38, 1-based): chr19:38,459,449, A>G. VCF-style: chr19-38459449-A-G. GRCh37 (hg19) VCF-style: chr19-38950089-A-G.
Other names: c.2360+111A>G (NM_001042723.2).
Identifiers: ClinVar variation 679522 (VCV000679522.1), dbSNP rs115461795, ClinGen allele CA308070383.

ClinVar aggregate classification (germline): Likely benign (1 of 4 stars; one submission).

Allele frequency attached by ClinVar (database versions not stated): gnomAD exomes 0.00054; gnomAD 0.00509 and 0.00545; 1000 Genomes Project 30x 0.00531; TOPMed 0.00547; 1000 Genomes Project 0.00559.
gnomAD v4.1: 1,249 of 1,014,846 alleles (0.12%); highest among the groups gnomAD compares: African/African-American, 1.8%; 15 homozygotes.

Submission:

GeneDx
Classification: Likely benign. Last evaluated: 2018-06-16. Review status: criteria provided, single submitter. Criteria: GeneDx Variant Classification (06012015). Collection method: clinical testing. Allele origin: germline. Affected: yes.
Comment: This variant is considered likely benign or benign based on one or more of the following criteria: it is a conservative change, it occurs at a poorly conserved position in the protein, it is predicted to be benign by multiple in silico algorithms, and/or has population frequency not consistent with disease.